The following is an entry in ClinVar:

NM_000104.4(CYP1B1):c.171G>A (p.Trp57Ter)

Gene: CYP1B1 (cytochrome P450 family 1 subfamily B member 1; minus strand). Cytogenetic location: 2p22.2.
Variant type: single nucleotide variant.
Coding change: c.171G>A on transcript NM_000104.4 (MANE Select); coding-DNA position 171, G replaced by A.
Protein change: p.Trp57Ter; replaces tryptophan 57 with a stop codon.
Molecular consequence: nonsense.
Genome position (GRCh38, 1-based): chr2:38,075,218, C>T on the plus strand (G>A on the coding strand, the complement: CYP1B1 is on the minus strand). VCF-style: chr2-38075218-C-T. GRCh37 (hg19) VCF-style: chr2-38302361-C-T.
Other names: NM_000104.4(CYP1B1):c.171G>A; p.Trp57Ter; short protein forms W57*.
Identifiers: ClinVar variation 7737 (VCV000007737.42), dbSNP rs72549387, ClinGen allele CA119014.

ClinVar aggregate classification (germline): Pathogenic. Review status: reviewed by expert panel (3 of 4 stars). 19 submissions from 17 submitters: Pathogenic (1). 18 of the submissions do not count toward it. Last evaluated 2025-11-19.

Conditions:
CYP1B1-related glaucoma with or without anterior segment dysgenesis. Identifiers: MedGen CN375931, MONDO:0800472.
Congenital glaucoma. Identifiers: MedGen C0020302, MONDO:0020366.
Glaucoma 3A. Also called: Glaucoma 3, primary congenital, A. Identifiers: Orphanet 98976, Orphanet 98977, MedGen C1856439, MONDO:0009277, OMIM 231300.
Anterior segment dysgenesis 6 (ASGD6). Also called: Anterior segment dysgenesis 6, multiple subtypes. Identifiers: MedGen C4310623, MONDO:0015016, OMIM 617315.
Glaucoma 3, primary infantile, B. Also called: GLC3B; GLC3 type B; Primary congenital glaucoma type 3B; Glaucoma primary congenita type 3B; GLAUCOMA, PRIMARY CONGENITAL, TYPE B. Identifiers: Orphanet 98976, MedGen C1832977, MONDO:0010968, OMIM 600975.
CYP1B1-related disorder. Also called: CYP1B1-Related Disorders. Identifiers: MedGen CN239260.
Anterior segment dysgenesis. Also called: Ocular anterior segment dysgenesis. Identifiers: Orphanet 88632, MedGen C1862839, MONDO:0019503, HP:0007700.
Irido-corneo-trabecular dysgenesis (ASGD5). Also called: ANTERIOR SEGMENT DYSGENESIS 5. Identifiers: Orphanet 708, MedGen C0344559, MONDO:0011414, OMIM 604229, HP:0000659.

Allele frequency attached by ClinVar (database versions not stated): gnomAD exomes 0.00017 and 0.00043; gnomAD 0.00022; TOPMed 0.00023; ExAC 0.00041.
gnomAD v4.1: 634 of 1,582,722 alleles (0.04%); highest among the groups gnomAD compares: Non-Finnish European, 0.052%; no homozygotes.

Submissions 1 to 13 of 19:

ClinGen Glaucoma Variant Curation Expert Panel
Classification: Pathogenic for CYP1B1-related glaucoma with or without anterior segment dysgenesis. Last evaluated: 2025-11-19. Review status: reviewed by expert panel. Criteria: ClinGen CYP1B1 ACMG Specifications V1 Approved. Collection method: curation. Allele origin: germline. Inheritance: Autosomal recessive inheritance.
Comment: The c.171G>A variant in CYP1B1 is predicted to cause a change in the length of the protein due to the insertion of a terminating codon instead of the usual Tryptophan at amino acid 57 (p.Trp57Ter). The highest minor allele frequency of this variant was in the European (non-Finnish) genetic ancestry group of gnomAD (v4.1) = 0.0005210 (610 alleles out of 1,170,786), which did not meet the PM2_Supporting allele frequency threshold (≤ 0.0005) or the BS1 allele frequency threshold (≥ 0.01). This nonsense variant was predicted to undergo NMD, meeting PVS1. There was no functional evidence predicting a damaging or benign impact of this variant on CYP1B1 function. 3 affected segregations with a CYP1B1-related phenotype have been reported (PMID: 23218701, pers. comm. E. Souzeau), which fulfilled PP1_Strong. There were more family studies published than presented here. This variant has been identified in five individuals with a CYP1B1-related phenotype. Three of these individuals are compound heterozygous for the variant and a pathogenic or likely pathogenic variant (all confirmed in trans) and two individuals are homozygous (non-consanguineous) for the variant (PMIDs: 32499604, 23218701, 37788597, 24281366, 30653986). Total points = 4, meeting PM3_Very strong. There were more cases published than presented here. In summary, this variant met the criteria to receive a score of 20 and to be classified as pathogenic (pathogenic classification ≥ 10, adapted from PMID: 32720330) for CYP1B1- related glaucoma with or without anterior segment dysgenesis (ASD) based on the ACMG/AMP criteria met, as specified by the ClinGen Glaucoma VCEP (v1.0, 06.11.2025): PVS1, PM3_Very strong, PP1_Strong.

PreventionGenetics, part of Exact Sciences
Classification: Pathogenic for CYP1B1-related condition. Last evaluated: 2026-02-06. Review status: criteria provided, single submitter. Criteria: ACMG Guidelines, 2015. Collection method: clinical testing. Allele origin: germline. Not counted in ClinVar's aggregate classification.
Comment: The CYP1B1 c.171G>A variant is predicted to result in premature protein termination (p.Trp57*). This variant has been reported in the compound heterozygous state in individuals with Peter's anomaly or congenital glaucoma (Vincent et al. 2001. PubMed ID: 11403040; Prokudin et al. 2013. PubMed ID: 24281366; Grønskov et al 2016. PubMed ID: 27820421; Millá et al. 2013. PubMed ID: 23922489), and in the heterozygous state in individuals with primary open angle glaucoma (Pasutto et al. 2010. PubMed ID: 19643970; Patel et al. 2012. PubMed ID: 22004014). This variant is reported in 0.039% of alleles in individuals of European (Non-Finnish) descent in gnomAD and has been classified as pathogenic by the ClinGen expert panel for glaucoma variant curation. Nonsense variants in CYP1B1 are expected to be pathogenic. Given the evidence, this variant is interpreted as pathogenic for autosomal recessive disease; additionally, this variant may confer a risk for the development of primary open angle glaucoma.

Labcorp Genetics (formerly Invitae), Labcorp
Classification: Pathogenic for Congenital glaucoma. Last evaluated: 2026-01-16. Review status: criteria provided, single submitter. Criteria: Invitae Variant Classification Sherloc (09022015). Collection method: clinical testing. Allele origin: germline. Not counted in ClinVar's aggregate classification.
Comment: This sequence change creates a premature translational stop signal (p.Trp57*) in the CYP1B1 gene. It is expected to result in an absent or disrupted protein product. Loss-of-function variants in CYP1B1 are known to be pathogenic (PMID: 9097971, 9497261, 19234632). This variant is present in population databases (rs72549387, gnomAD 0.04%). This premature translational stop signal has been observed in individuals with primary congenital glaucoma and primary open angle glaucoma and Peter's anomaly (PMID: 11403040, 12036985, 19643970, 22004014, 23218701, 23922489, 24281366, 27820421). ClinVar contains an entry for this variant (Variation ID: 7737). For these reasons, this variant has been classified as Pathogenic.

Dasa
Classification: Pathogenic. Last evaluated: 2025-08-20. Review status: criteria provided, single submitter. Criteria: DASA Assertion Criteria. Collection method: clinical testing. Allele origin: germline. Not counted in ClinVar's aggregate classification.
Comment: NM_000104.4(CYP1B1):c.171G>A (p.Trp57*) introduces a premature termination codon predicted to result in loss of normal protein function. Loss-of-function is an established mechanism of disease for this gene. This variant has been observed in affected individuals with related phenotype in a genotype context consistent with recessive disease (PMID: 12036985; PMID: 19643970; PMID: 11403040). This variant has been recurrently observed in individuals with related phenotype (PMID: 12036985; PMID: 19643970; PMID: 11403040). The variant is present at low frequency in population datasets. Based on the available data, this variant is classified as pathogenic.

Blueprint Genetics
Classification: Pathogenic for CYP1B1-related disorders. Last evaluated: 2024-11-13. Review status: criteria provided, single submitter. Criteria: ACMG Guidelines, 2015. Collection method: clinical testing. Allele origin: germline. Affected: yes. Observed: 5 variant alleles. Not counted in ClinVar's aggregate classification.

Fulgent Genetics
Classification: Pathogenic for Glaucoma 3A; Anterior segment dysgenesis 6. Last evaluated: 2024-04-10. Review status: criteria provided, single submitter. Criteria: ACMG Guidelines, 2015. Collection method: clinical testing. Allele origin: germline. Not counted in ClinVar's aggregate classification.

Baylor Genetics
Classification: Pathogenic for Anterior segment dysgenesis 6. Last evaluated: 2024-03-27. Review status: criteria provided, single submitter. Criteria: ACMG Guidelines, 2015. Collection method: clinical testing. Allele origin: unknown. Not counted in ClinVar's aggregate classification.

GeneDx
Classification: Pathogenic. Last evaluated: 2023-01-10. Review status: criteria provided, single submitter. Criteria: GeneDx Variant Classification Process June 2021. Collection method: clinical testing. Allele origin: germline. Affected: yes. Not counted in ClinVar's aggregate classification.
Comment: Nonsense variant predicted to result in protein truncation or nonsense mediated decay in a gene for which loss-of-function is a known mechanism of disease; This variant is associated with the following publications: (PMID: 14635112, 11403040, 16735994, 30653986, 23218701, 24281366, 27820421, 34758253, 12525557, 19643970, 17718864, 23922489, 27777502, 12036985, 26689913, 31980526, 31589614, 32499604, 22004014, 35170016)

Department of Human Genetics, Hannover Medical School
Classification: Pathogenic for Glaucoma 3A. Last evaluated: 2022-11-14. Review status: criteria provided, single submitter. Criteria: ACMG Guidelines, 2015. Collection method: clinical testing. Allele origin: germline. Inheritance: Autosomal recessive inheritance. Affected: yes. Not counted in ClinVar's aggregate classification.

Clinical Genetics Laboratory, Skane University Hospital Lund
Classification: Pathogenic. Last evaluated: 2022-05-27. Review status: criteria provided, single submitter. Criteria: ACMG Guidelines, 2015. Collection method: clinical testing. Allele origin: germline. Affected: yes. Not counted in ClinVar's aggregate classification.

Molecular Diagnostics Laboratory, M Health Fairview: University of Minnesota
Classification: Pathogenic for Anterior segment dysgenesis 6. Last evaluated: 2021-08-25. Review status: criteria provided, single submitter. Criteria: ACMG Guidelines, 2015. Collection method: clinical testing. Allele origin: germline. Affected: yes. Not counted in ClinVar's aggregate classification.

Revvity Omics, Revvity
Classification: Likely pathogenic. Last evaluated: 2020-12-16. Review status: criteria provided, single submitter. Criteria: ACMG Guidelines, 2015. Collection method: clinical testing. Allele origin: germline. Not counted in ClinVar's aggregate classification.

Fulgent Genetics
Classification: Pathogenic for Glaucoma 3A; Glaucoma 3, primary infantile, B; Anterior segment dysgenesis 6. Last evaluated: 2018-10-31. Review status: criteria provided, single submitter. Criteria: ACMG Guidelines, 2015. Collection method: clinical testing. Allele origin: unknown. Not counted in ClinVar's aggregate classification.